The following is an entry in ClinVar:

NM_016239.4(MYO15A):c.2054dup (p.Leu687fs)

Gene: MYO15A (myosin XVA; plus strand). Cytogenetic location: 17p11.2.
Variant type: Duplication.
Coding change: c.2054dup on transcript NM_016239.4 (MANE Select); coding-DNA position 2054, one base duplicated (C; older notation c.2054dupC).
Protein change: p.Leu687fs; shifts the reading frame from leucine 687.
Molecular consequence: frameshift variant.
Genome position (GRCh38, 1-based): chr17:18,120,854, C duplicated. VCF-style (leftmost placement, unchanged base first): chr17-18120853-T-TC. GRCh37 (hg19) VCF-style: chr17-18024167-T-TC.
Other names: short protein forms L687fs.
Identifiers: ClinVar variation 2713990 (VCV002713990.3), dbSNP rs1300087539, ClinGen allele CA726638462.

ClinVar aggregate classification (germline): Pathogenic (1 of 4 stars; one submission).

Allele frequency attached by ClinVar (database versions not stated): gnomAD exomes below 0.00001; gnomAD 0.00003; TOPMed 0.00004.

Submission:

Labcorp Genetics (formerly Invitae), Labcorp
Classification: Pathogenic. Last evaluated: 2023-01-14. Review status: criteria provided, single submitter. Criteria: Invitae Variant Classification Sherloc (09022015). Collection method: clinical testing. Allele origin: germline.
Comment: For these reasons, this variant has been classified as Pathogenic. This variant has not been reported in the literature in individuals affected with MYO15A-related conditions. This variant is not present in population databases (gnomAD no frequency). This sequence change creates a premature translational stop signal (p.Leu687Profs*293) in the MYO15A gene. It is expected to result in an absent or disrupted protein product. Loss-of-function variants in MYO15A are known to be pathogenic (PMID: 17546645).

Literature cited by the submitters: PubMed 17546645.